The following is an entry in ClinVar:

ClinVar aggregate classification (germline): Uncertain significance (1 of 4 stars; one submission).

gnomAD v4.1: 2 of 1,552,880 alleles (0.00013%); highest among the groups gnomAD compares: African/African-American, 0.0014%; no homozygotes.

Submission:

Labcorp Genetics (formerly Invitae), Labcorp
Classification: Uncertain significance. Last evaluated: 2025-06-12. Review status: criteria provided, single submitter. Criteria: Invitae Variant Classification Sherloc (09022015). Collection method: clinical testing. Allele origin: germline.
Comment: This sequence change replaces aspartic acid, which is acidic and polar, with glutamic acid, which is acidic and polar, at codon 253 of the HPS1 protein (p.Asp253Glu). This variant is present in population databases (no rsID available, gnomAD 0.01%). This variant has not been reported in the literature in individuals affected with HPS1-related conditions. ClinVar contains an entry for this variant (Variation ID: 2185601). Invitae Evidence Modeling of protein sequence and biophysical properties (such as structural, functional, and spatial information, amino acid conservation, physicochemical variation, residue mobility, and thermodynamic stability) indicates that this missense variant is not expected to disrupt HPS1 protein function with a negative predictive value of 95%. In summary, the available evidence is currently insufficient to determine the role of this variant in disease. Therefore, it has been classified as a Variant of Uncertain Significance.

NM_000195.5(HPS1):c.759C>G (p.Asp253Glu)

Gene: HPS1 (HPS1 biogenesis of lysosomal organelles complex 3 subunit 1; minus strand). Cytogenetic location: 10q24.2.
Variant type: single nucleotide variant.
Coding change: c.759C>G on transcript NM_000195.5 (MANE Select); coding-DNA position 759, C replaced by G.
Protein change: p.Asp253Glu; replaces aspartic acid 253 with glutamic acid.
Molecular consequence: missense variant. On other transcripts: 5 prime UTR variant (3).
Genome position (GRCh38, 1-based): chr10:98,430,580, G>C on the plus strand (C>G on the coding strand, the complement: HPS1 is on the minus strand). VCF-style: chr10-98430580-G-C. GRCh37 (hg19) VCF-style: chr10-100190337-G-C.
Other names: c.-115C>G (NM_001311345.2, NM_001322489.2); c.759C>G, p.Asp253Glu (NM_001322476.2, NM_001322477.2, NM_001322478.2 and 3 more transcripts); c.498C>G, p.Asp166Glu (NM_001322480.2, NM_001322481.2, NM_001322482.2); c.390C>G, p.Asp130Glu (NM_001322483.2, NM_001322484.2, NM_001322485.2); c.-214C>G (NM_001322487.2); c.641C>G, p.Thr214Arg (NM_001322490.2, NM_001322492.2); short protein forms D130E, T214R, D166E, D253E.
Identifiers: ClinVar variation 2185601 (VCV002185601.4), dbSNP rs369730473, ClinGen allele CA378051896.
Genomic context (GRCh38, chr10:98,430,580, plus strand): 5'-CTGAACTACCTCCCTAATGGCCTCCCTCTGCCCAGAAAGCTGCCCTGAGACCTGAATGTC[G>C]TCCTCTGCTGTGCTCTCGCTGGGGTAGAGGTCCTGAACCAGGAGGATGAGGGCAAGCAGG-3'
Protein context (NP_000186.2, residues 243-263): DLYPSESTAE[Asp253Glu]DIQPSPRRAR